The following is an entry in ClinVar:

ClinVar aggregate classification (germline): Likely benign. Review status: criteria provided, multiple submitters, no conflicts (2 of 4 stars). 3 submissions from 3 submitters: Likely benign (3). Last evaluated 2026-01-21.

Conditions:
MYSM1-related disorder. Also called: MYSM1-related condition.

Allele frequency attached by ClinVar (database versions not stated): 1000 Genomes Project 30x 0.00016; 1000 Genomes Project 0.00020; ExAC 0.00023; gnomAD exomes 0.00027 and 0.00067; gnomAD 0.00028 and 0.00029; ESP Exome Variant Server 0.00050.
gnomAD v4.1: 1,019 of 1,613,608 alleles (0.063%); highest among the groups gnomAD compares: Non-Finnish European, 0.081%; no homozygotes.

Submissions (3):

Labcorp Genetics (formerly Invitae), Labcorp
Classification: Likely benign. Last evaluated: 2026-01-21. Review status: criteria provided, single submitter. Criteria: Invitae Variant Classification Sherloc (09022015). Collection method: clinical testing. Allele origin: germline.

PreventionGenetics, part of Exact Sciences
Classification: Likely benign for MYSM1-related condition. Last evaluated: 2025-04-22. Review status: criteria provided, single submitter. Criteria: ACMG Guidelines, 2015. Collection method: clinical testing. Allele origin: germline.
Comment: This variant is classified as likely benign based on ACMG/AMP sequence variant interpretation guidelines (Richards et al. 2015 PMID: 25741868, with internal and published modifications).

Blueprint Genetics
Classification: Likely benign. Last evaluated: 2024-10-29. Review status: criteria provided, single submitter. Criteria: ACMG Guidelines, 2015. Collection method: clinical testing. Allele origin: germline.

NM_001085487.3(MYSM1):c.30C>T (p.Ile10=)

Genes: MYSM1 (Myb like, SWIRM and MPN domains 1; minus strand), LOC129930616 (ATAC-STARR-seq lymphoblastoid active region 1087; plus strand). Cytogenetic location: 1p32.1.
Variant type: single nucleotide variant.
Coding change: c.30C>T on transcript NM_001085487.3 (MANE Select); coding-DNA position 30, C replaced by T.
Protein change: p.Ile10=; no amino-acid change (isoleucine 10 retained).
Molecular consequence: synonymous variant.
Genome position (GRCh38, 1-based): chr1:58,700,023, G>A on the plus strand (C>T on the coding strand, the complement: MYSM1 is on the minus strand). VCF-style: chr1-58700023-G-A. GRCh37 (hg19) VCF-style: chr1-59165695-G-A.
Other names: c.30C>T (NM_001085487.2).
Identifiers: ClinVar variation 1077576 (VCV001077576.11), dbSNP rs375339395, ClinGen allele CA878188.